The following is an entry in ClinVar:

ClinVar aggregate classification (germline): Conflicting classifications of pathogenicity. Review status: criteria provided, conflicting classifications (1 of 4 stars). 2 submissions from 2 submitters: Uncertain significance (1); Likely benign (1). Last evaluated 2026-07-01.

Allele frequency attached by ClinVar (database versions not stated): gnomAD exomes below 0.00001.
gnomAD v4.1: 1 of 1,614,126 alleles (0.000062%); highest among the groups gnomAD compares: Admixed American, 0.0017%; no homozygotes.

Submissions (2):

CeGaT Center for Human Genetics Tuebingen
Classification: Uncertain significance. Last evaluated: 2026-07-01. Review status: criteria provided, single submitter. Criteria: CeGaT Center For Human Genetics Tuebingen Variant Classification Criteria Version 2. Collection method: clinical testing. Allele origin: germline. Affected: yes. Observed: 1 variant allele.
Comment: ANKH: PM2, BP4, BP7

Labcorp Genetics (formerly Invitae), Labcorp
Classification: Likely benign. Last evaluated: 2023-12-22. Review status: criteria provided, single submitter. Criteria: Invitae Variant Classification Sherloc (09022015). Collection method: clinical testing. Allele origin: germline.

NM_054027.6(ANKH):c.204C>T (p.Asp68=)

Gene: ANKH (ANKH inorganic pyrophosphate transport regulator; minus strand). Cytogenetic location: 5p15.2.
Variant type: single nucleotide variant.
Coding change: c.204C>T on transcript NM_054027.6 (MANE Select); coding-DNA position 204, C replaced by T.
Protein change: p.Asp68=; no amino-acid change (aspartic acid 68 retained).
Molecular consequence: synonymous variant.
Genome position (GRCh38, 1-based): chr5:14,769,084, G>A on the plus strand (C>T on the coding strand, the complement: ANKH is on the minus strand). VCF-style: chr5-14769084-G-A. GRCh37 (hg19) VCF-style: chr5-14769193-G-A.
Identifiers: ClinVar variation 3017758 (VCV003017758.4), dbSNP rs1434540901, ClinGen allele CA443289698.